The following is an entry in ClinVar:

ClinVar aggregate classification (germline): Likely pathogenic (1 of 4 stars; one submission).

Submission:

Labcorp Genetics (formerly Invitae), Labcorp
Classification: Likely pathogenic. Last evaluated: 2023-04-30. Review status: criteria provided, single submitter. Criteria: Invitae Variant Classification Sherloc (09022015). Collection method: clinical testing. Allele origin: germline.
Comment: In summary, the currently available evidence indicates that the variant is pathogenic, but additional data are needed to prove that conclusively. Therefore, this variant has been classified as Likely Pathogenic. This variant has not been reported in the literature in individuals affected with C2CD3-related conditions. This variant results in a copy number gain of the genomic region encompassing exon(s) 20 of the C2CD3 gene. While the exact position of this variant cannot be determined from the data, sub-genic copy number gains are generally in tandem (PMID: 25640679). This variant is predicted to be out-of-frame, and may result in an absent or disrupted protein product. Loss-of-function variants in C2CD3 are known to be pathogenic (PMID: 24997988, 26477546).

Literature cited by the submitters: PubMed 25640679; PubMed 24997988; PubMed 26477546.

NC_000011.9:g.(?_73801838)_(73802001_?)dup

Gene: C2CD3 (C2 domain containing 3 centriole elongation regulator; minus strand). Cytogenetic location: 11q13.4.
Variant type: Duplication.
Identifiers: ClinVar variation 2426178 (VCV002426178.4).